The following is an entry in ClinVar:

NM_015331.3(NCSTN):c.1291C>A (p.Leu431Ile)

Gene: NCSTN (nicastrin; plus strand). Cytogenetic location: 1q23.2.
Variant type: single nucleotide variant.
Coding change: c.1291C>A on transcript NM_015331.3 (MANE Select); coding-DNA position 1291, C replaced by A.
Protein change: p.Leu431Ile; replaces leucine 431 with isoleucine.
Molecular consequence: missense variant.
Genome position (GRCh38, 1-based): chr1:160,354,229, C>A. VCF-style: chr1-160354229-C-A. GRCh37 (hg19) VCF-style: chr1-160324019-C-A.
Other names: c.1231C>A, p.Leu411Ile (NM_001290184.2); c.877C>A, p.Leu293Ile (NM_001290186.2); c.1291C>A, p.Leu431Ile (NM_001349729.2); short protein forms L411I, L293I, L431I.
Identifiers: ClinVar variation 2829971 (VCV002829971.3), dbSNP rs751801894, ClinGen allele CA1198951.

ClinVar aggregate classification (germline): Uncertain significance (1 of 4 stars; one submission).

Allele frequency attached by ClinVar (database versions not stated): gnomAD exomes below 0.00001; ExAC 0.00001.
gnomAD v4.1: 1 of 1,614,188 alleles (0.000062%); highest among the groups gnomAD compares: Non-Finnish European, 0.000085%; no homozygotes.

Submission:

Labcorp Genetics (formerly Invitae), Labcorp
Classification: Uncertain significance. Last evaluated: 2023-01-24. Review status: criteria provided, single submitter. Criteria: Invitae Variant Classification Sherloc (09022015). Collection method: clinical testing. Allele origin: germline.
Comment: In summary, the available evidence is currently insufficient to determine the role of this variant in disease. Therefore, it has been classified as a Variant of Uncertain Significance. Advanced modeling of protein sequence and biophysical properties (such as structural, functional, and spatial information, amino acid conservation, physicochemical variation, residue mobility, and thermodynamic stability) performed at Invitae indicates that this missense variant is expected to disrupt NCSTN protein function. This variant has not been reported in the literature in individuals affected with NCSTN-related conditions. This variant is present in population databases (rs751801894, gnomAD 0.0009%). This sequence change replaces leucine, which is neutral and non-polar, with isoleucine, which is neutral and non-polar, at codon 431 of the NCSTN protein (p.Leu431Ile).